The following is an entry in ClinVar:

NM_032638.5(GATA2):c.871+1G>A

Gene: GATA2 (GATA binding protein 2; minus strand). Cytogenetic location: 3q21.3.
Variant type: single nucleotide variant.
Coding change: c.871+1G>A on transcript NM_032638.5 (MANE Select); the canonical splice donor site of the intron after coding-DNA position 871, G replaced by A.
Molecular consequence: splice donor variant.
Genome position (GRCh38, 1-based): chr3:128,485,726, C>T on the plus strand (G>A on the coding strand, the complement: GATA2 is on the minus strand). VCF-style: chr3-128485726-C-T. GRCh37 (hg19) VCF-style: chr3-128204569-C-T.
Other names: c.871+1G>A (NM_001145662.1, NM_001145661.2).
Identifiers: ClinVar variation 2947349 (VCV002947349.3), dbSNP rs2472929677, ClinGen allele CA354405088.

ClinVar aggregate classification (germline): Likely pathogenic (1 of 4 stars; one submission).

Conditions:
Deafness-lymphedema-leukemia syndrome. Also called: Lymphedema, primary, with myelodysplasia; Emberger syndrome. Identifiers: Orphanet 3226, MedGen C3279664, MONDO:0013540, OMIM 614038.
Monocytopenia with susceptibility to infections. Also called: MONOCYTOPENIA AND MYCOBACTERIAL INFECTION SYNDROME; MONOCYTOPENIA WITH SUSCEPTIBILITY TO MYCOBACTERIAL, FUNGAL, AND PAPILLOMAVIRUS INFECTIONS AND MYELODYSPLASIA; COMBINED IMMUNODEFICIENCY WITH SUSCEPTIBILITY TO MYCOBACTERIAL, VIRAL, AND FUNGAL INFECTIONS; Dendritic cell, monocyte, B lymphocyte, and natural killer lymphocyte deficiency; IMMUNODEFICIENCY 21; GATA2 DEFICIENCY. Identifiers: Orphanet 228423, MedGen C3280030, MONDO:0013607, OMIM 614172.

Allele frequency attached by ClinVar (database versions not stated): gnomAD exomes below 0.00001.

Submission:

Labcorp Genetics (formerly Invitae), Labcorp
Classification: Likely pathogenic for Monocytopenia with susceptibility to infections; Deafness-lymphedema-leukemia syndrome. Last evaluated: 2024-02-02. Review status: criteria provided, single submitter. Criteria: Invitae Variant Classification Sherloc (09022015). Collection method: clinical testing. Allele origin: germline.
Comment: This sequence change affects a donor splice site in intron 3 of the GATA2 gene. It is expected to disrupt RNA splicing. Variants that disrupt the donor or acceptor splice site typically lead to a loss of protein function (PMID: 16199547), and loss-of-function variants in GATA2 are known to be pathogenic (PMID: 21670465, 23223431). This variant is not present in population databases (gnomAD no frequency). This variant has not been reported in the literature in individuals affected with GATA2-related conditions. Algorithms developed to predict the effect of sequence changes on RNA splicing suggest that this variant may disrupt the consensus splice site. In summary, the currently available evidence indicates that the variant is pathogenic, but additional data are needed to prove that conclusively. Therefore, this variant has been classified as Likely Pathogenic.

Literature cited by the submitters: PubMed 16199547; PubMed 21670465; PubMed 23223431.